The following is an entry in ClinVar:

NM_033026.6(PCLO):c.13772A>G (p.Asn4591Ser)

Gene: PCLO (piccolo presynaptic cytomatrix protein; minus strand). Cytogenetic location: 7q21.11.
Variant type: single nucleotide variant.
Coding change: c.13772A>G on transcript NM_033026.6 (MANE Select); coding-DNA position 13772, A replaced by G.
Protein change: p.Asn4591Ser; replaces asparagine 4591 with serine.
Molecular consequence: missense variant.
Genome position (GRCh38, 1-based): chr7:82,846,626, T>C on the plus strand (A>G on the coding strand, the complement: PCLO is on the minus strand). VCF-style: chr7-82846626-T-C. GRCh37 (hg19) VCF-style: chr7-82475942-T-C.
Other names: c.13772A>G, p.Asn4591Ser (NM_014510.3); c.13772A>G (NM_033026.5); short protein forms N4591S.
Identifiers: ClinVar variation 3713832 (VCV003713832.3).

ClinVar aggregate classification (germline): Uncertain significance. Review status: criteria provided, multiple submitters, no conflicts (2 of 4 stars). 2 submissions from 2 submitters: Uncertain significance (2). Last evaluated 2025-11-06.

Conditions:
Inborn genetic diseases. Identifiers: MedGen C0950123, MeSH D030342.

gnomAD v4.1: 22 of 1,598,366 alleles (0.0014%); highest among the groups gnomAD compares: East Asian, 0.009%; no homozygotes.

Submissions (3):

Ambry Genetics
Classification: Uncertain significance for Inborn genetic diseases. Last evaluated: 2025-11-06. Review status: criteria provided, single submitter. Criteria: Ambry Variant Classification Scheme 2023. Collection method: clinical testing. Allele origin: germline.

Labcorp Genetics (formerly Invitae), Labcorp
Classification: Uncertain significance. Last evaluated: 2024-07-05. Review status: criteria provided, single submitter. Criteria: Invitae Variant Classification Sherloc (09022015). Collection method: clinical testing. Allele origin: germline.
Comment: This sequence change replaces asparagine, which is neutral and polar, with serine, which is neutral and polar, at codon 4591 of the PCLO protein (p.Asn4591Ser). This variant is present in population databases (rs373154727, gnomAD 0.01%). This variant has not been reported in the literature in individuals affected with PCLO-related conditions. Algorithms developed to predict the effect of missense changes on protein structure and function output the following: SIFT: "Not Available"; PolyPhen-2: "Not Available"; Align-GVGD: "Not Available". The serine amino acid residue is found in multiple mammalian species, which suggests that this missense change does not adversely affect protein function. In summary, the available evidence is currently insufficient to determine the role of this variant in disease. Therefore, it has been classified as a Variant of Uncertain Significance.

Dr. Peter K. Rogan Lab, Western University
No classification provided (evidence only). Condition: Thyroid cancer, nonmedullary, 1. Review status: no classification provided. Collection method: in vitro. Allele origin: not applicable. Functional consequence: retained intron. Not counted in ClinVar's aggregate classification.